The following is an entry in ClinVar:

NM_000203.5(IDUA):c.1345C>A (p.His449Asn)

Gene: IDUA (alpha-L-iduronidase; plus strand). Cytogenetic location: 4p16.3.
Variant type: single nucleotide variant.
Coding change: c.1345C>A on transcript NM_000203.5 (MANE Select); coding-DNA position 1345, C replaced by A.
Protein change: p.His449Asn; replaces histidine 449 with asparagine.
Molecular consequence: missense variant. On other transcripts: non-coding transcript variant (1).
Genome position (GRCh38, 1-based): chr4:1,002,887, C>A. VCF-style: chr4-1002887-C-A. GRCh37 (hg19) VCF-style: chr4-996675-C-A.
Other names: c.949C>A, p.His317Asn (NM_001363576.1); short protein forms H449N, H317N.
Identifiers: ClinVar variation 350230 (VCV000350230.69), dbSNP rs532731688, ClinGen allele CA2802233.

ClinVar aggregate classification (germline): Conflicting classifications of pathogenicity. Review status: criteria provided, conflicting classifications (1 of 4 stars). 11 submissions from 11 submitters: Uncertain significance (2); Benign (1); Likely benign (4). 4 of the submissions do not count toward it. Last evaluated 2026-08-01.

Conditions:
Inborn genetic diseases. Identifiers: MedGen C0950123, MeSH D030342.
Mucopolysaccharidosis type 1. Also called: IDUA deficiency; MPS I; Mucopolysaccharidosis Type I. Identifiers: Orphanet 579, MedGen C0023786, MONDO:0001586.
IDUA-related disorder. Also called: IDUA-related condition.

Allele frequency attached by ClinVar (database versions not stated): 1000 Genomes Project 0.00020; 1000 Genomes Project 30x 0.00047; ExAC 0.00083; TOPMed 0.00175; gnomAD exomes 0.00270; gnomAD 0.00297 and 0.00315.
gnomAD v4.1: 3,447 of 1,430,628 alleles (0.24%); highest among the groups gnomAD compares: Non-Finnish European, 0.27%; 30 homozygotes.

Submissions (11):

CeGaT Center for Human Genetics Tuebingen
Classification: Likely benign. Last evaluated: 2026-08-01. Review status: criteria provided, single submitter. Criteria: CeGaT Center For Human Genetics Tuebingen Variant Classification Criteria Version 2. Collection method: clinical testing. Allele origin: germline. Affected: yes. Observed: 13 variant alleles.
Comment: IDUA: BS2

Labcorp Genetics (formerly Invitae), Labcorp
Classification: Benign for Mucopolysaccharidosis type 1. Last evaluated: 2026-02-02. Review status: criteria provided, single submitter. Criteria: Invitae Variant Classification Sherloc (09022015). Collection method: clinical testing. Allele origin: germline.

Blueprint Genetics
Classification: Likely benign. Last evaluated: 2024-11-25. Review status: criteria provided, single submitter. Criteria: ACMG Guidelines, 2015. Collection method: clinical testing. Allele origin: germline.

Ambry Genetics
Classification: Likely benign for Inborn genetic diseases. Last evaluated: 2022-10-13. Review status: criteria provided, single submitter. Criteria: Ambry Variant Classification Scheme 2023. Collection method: clinical testing. Allele origin: germline.

ARUP Laboratories, Molecular Genetics and Genomics, ARUP Laboratories
Classification: Likely benign. Last evaluated: 2019-06-12. Review status: criteria provided, single submitter. Criteria: ARUP Molecular Germline Variant Investigation Process. Collection method: clinical testing. Allele origin: germline.

Illumina Laboratory Services, Illumina
Classification: Uncertain significance for Mucopolysaccharidosis type 1. Last evaluated: 2018-01-12. Review status: criteria provided, single submitter. Criteria: ICSL Variant Classification Criteria 13 December 2019. Collection method: clinical testing. Allele origin: germline.

Eurofins Ntd Llc (ga)
Classification: Uncertain significance. Last evaluated: 2017-03-09. Review status: criteria provided, single submitter. Criteria: EGL Classification Definitions 2015. Collection method: clinical testing. Allele origin: germline. Observed: 4 variant alleles, 4 heterozygotes.

PreventionGenetics, part of Exact Sciences
Classification: Likely benign for IDUA-related condition. Last evaluated: 2022-07-18. Review status: no assertion criteria provided. Collection method: clinical testing. Allele origin: germline. Not counted in ClinVar's aggregate classification.
Comment: This variant is classified as likely benign based on ACMG/AMP sequence variant interpretation guidelines (Richards et al. 2015 PMID: 25741868, with internal and published modifications).

Natera, Inc.
Classification: Benign for Mucopolysaccharidosis type I. Last evaluated: 2017-08-10. Review status: no assertion criteria provided. Collection method: clinical testing. Allele origin: germline. Not counted in ClinVar's aggregate classification.

Diagnostic Laboratory, Department of Genetics, University Medical Center Groningen
Classification: Uncertain significance. Review status: no assertion criteria provided. Collection method: clinical testing. Allele origin: germline. Affected: yes. Study: VKGL Data-share Consensus. Not counted in ClinVar's aggregate classification.

Laboratory of Diagnostic Genome Analysis, Leiden University Medical Center (LUMC)
Classification: Uncertain significance. Review status: no assertion criteria provided. Collection method: clinical testing. Allele origin: germline. Affected: yes. Study: VKGL Data-share Consensus. Not counted in ClinVar's aggregate classification.